The following is an entry in ClinVar:

NM_003327.4(TNFRSF4):c.646GCC[1] (p.Ala217del)

Gene: TNFRSF4 (TNF receptor superfamily member 4; minus strand). Cytogenetic location: 1p36.33.
Variant type: Microsatellite.
Coding change: c.646GCC[1] on transcript NM_003327.4 (MANE Select); one copy of the 3-base unit GCC starting at c.646; the reference has two copies in a row; one copy, 3 bases deleted.
Protein change: p.Ala217del; deletes alanine 217.
Molecular consequence: inframe deletion.
Genome position (GRCh38, 1-based): chr1:1,211,816-1,211,818, GGC deleted on the plus strand (GCC on the coding strand, the reverse complement: TNFRSF4 is on the minus strand); deleting any 3 consecutive bases within chr1:1,211,816-1,211,821 gives the same sequence; the position shown is the placement nearest the transcript's 3' end. VCF-style (leftmost placement, unchanged base first): chr1-1211815-TGGC-T. GRCh37 (hg19) VCF-style: chr1-1147195-TGGC-T.
Other names: short protein forms A217del.
Identifiers: ClinVar variation 1398605 (VCV001398605.5), dbSNP rs780877916, ClinGen allele CA512374.

ClinVar aggregate classification (germline): Uncertain significance (1 of 4 stars; one submission).

Conditions:
Combined immunodeficiency due to OX40 deficiency. Also called: OX40 DEFICIENCY; Immunodeficiency 16. Identifiers: Orphanet 431149, MedGen C3810053, MONDO:0014268, OMIM 615593.

Submission:

Labcorp Genetics (formerly Invitae), Labcorp
Classification: Uncertain significance for Combined immunodeficiency due to OX40 deficiency. Last evaluated: 2024-12-28. Review status: criteria provided, single submitter. Criteria: Invitae Variant Classification Sherloc (09022015). Collection method: clinical testing. Allele origin: germline.
Comment: This variant, c.649_651del, results in the deletion of 1 amino acid(s) of the TNFRSF4 protein (p.Ala217del), but otherwise preserves the integrity of the reading frame. This variant is present in population databases (rs780877916, gnomAD 0.004%). This variant has not been reported in the literature in individuals affected with TNFRSF4-related conditions. Experimental studies and prediction algorithms are not available or were not evaluated, and the functional significance of this variant is currently unknown. In summary, the available evidence is currently insufficient to determine the role of this variant in disease. Therefore, it has been classified as a Variant of Uncertain Significance.